The following is an entry in ClinVar:

NC_000008.10:g.(?_9912027)_(11710963_?)del

Genes: RP1L1 (RP1 like 1), SLC35G5 (solute carrier family 35 member G5), SOX7 (SRY-box transcription factor 7), XKR6 (XK related 6), MTMR9 (myotubularin related protein 9) and 11 more. Cytogenetic location: 8p23.1.
Variant type: Deletion.
Identifiers: ClinVar variation 1466701 (VCV001466701.6).

ClinVar aggregate classification (germline): no classifications from unflagged records (0 of 4 stars; one submission).

Submission:

Labcorp Genetics (formerly Invitae), Labcorp
Classification: Uncertain significance. Last evaluated: 2022-10-13. Review status: flagged submission. Criteria: Invitae Variant Classification Sherloc (09022015). Collection method: clinical testing. Allele origin: germline.
Comment: This variant has not been reported in the literature in individuals affected with CTSB-related conditions. A gross deletion of the genomic region encompassing the full coding sequence of the CTSB gene has been identified. The current clinical and genetic evidence is not sufficient to establish whether loss-of-function variants in CTSB cause disease. The boundaries of this event are unknown as they extend beyond the assayed region for this gene and therefore may encompass additional genes. Experimental studies and prediction algorithms are not available or were not evaluated, and the functional significance of this variant is currently unknown. In summary, the available evidence is currently insufficient to determine the role of this variant in disease. Therefore, it has been classified as a Variant of Uncertain Significance.
ClinVar note: Notes: This submission was flagged because its interpretation of this variant conflicts with the ClinGen Gene Dosage Map curation for the gene GATA4.
ClinVar note: Reason: Conflict with ClinGen Gene Dosage Map